The following is an entry in ClinVar:

NM_001098540.3(HPSE):c.1308T>C (p.His436=)

Gene: HPSE (heparanase; minus strand). Cytogenetic location: 4q21.23.
Variant type: single nucleotide variant.
Coding change: c.1308T>C on transcript NM_001098540.3 (MANE Select); coding-DNA position 1308, T replaced by C.
Protein change: p.His436=; no amino-acid change (histidine 436 retained).
Molecular consequence: synonymous variant.
Genome position (GRCh38, 1-based): chr4:83,302,167, A>G on the plus strand (T>C on the coding strand, the complement: HPSE is on the minus strand). VCF-style: chr4-83302167-A-G. GRCh37 (hg19) VCF-style: chr4-84223320-A-G.
Other names: c.1086T>C, p.His362= (NM_001166498.3); c.1134T>C, p.His378= (NM_001199830.1); c.1308T>C, p.His436= (NM_006665.6).
Identifiers: ClinVar variation 3035311 (VCV003035311.2), dbSNP rs748371922, ClinGen allele CA2988841.

ClinVar aggregate classification (germline): Likely benign (0 of 4 stars; one submission).

Conditions:
HPSE-related disorder. Also called: HPSE-related condition.

Allele frequency attached by ClinVar (database versions not stated): gnomAD 0.00003; TOPMed 0.00003; gnomAD exomes 0.00004; ExAC 0.00008.
gnomAD v4.1: 58 of 1,610,830 alleles (0.0036%); highest among the groups gnomAD compares: East Asian, 0.12%; 1 homozygote.

Submission:

PreventionGenetics, part of Exact Sciences
Classification: Likely benign for HPSE-related condition. Last evaluated: 2019-08-12. Review status: no assertion criteria provided. Collection method: clinical testing. Allele origin: germline.
Comment: This variant is classified as likely benign based on ACMG/AMP sequence variant interpretation guidelines (Richards et al. 2015 PMID: 25741868, with internal and published modifications).